The following is an entry in ClinVar:

ClinVar aggregate classification (germline): Uncertain significance (1 of 4 stars; one submission).

Conditions:
Hereditary cancer-predisposing syndrome. Also called: Neoplastic Syndromes, Hereditary; Tumor predisposition; Hereditary Cancer Syndrome; Hereditary neoplastic syndrome. Identifiers: Orphanet 140162, MedGen C0027672, MeSH D009386, MONDO:0015356.

Submission:

Ambry Genetics
Classification: Uncertain significance for Hereditary cancer-predisposing syndrome. Last evaluated: 2022-08-23. Review status: criteria provided, single submitter. Criteria: Ambry Variant Classification Scheme 2023. Collection method: clinical testing. Allele origin: germline.
Comment: The p.S65C variant (also known as c.193A>T), located in coding exon 2 of the RET gene, results from an A to T substitution at nucleotide position 193. The serine at codon 65 is replaced by cysteine, an amino acid with dissimilar properties. This amino acid position is conserved. In addition, this alteration is predicted to be tolerated by in silico analysis. Since supporting evidence is limited at this time, the clinical significance of this alteration remains unclear.

NM_020975.6(RET):c.193A>T (p.Ser65Cys)

Gene: RET (ret proto-oncogene; plus strand). Cytogenetic location: 10q11.21.
Variant type: single nucleotide variant.
Coding change: c.193A>T on transcript NM_020975.6 (MANE Select); coding-DNA position 193, A replaced by T.
Protein change: p.Ser65Cys; replaces serine 65 with cysteine.
Molecular consequence: missense variant.
Genome position (GRCh38, 1-based): chr10:43,100,578, A>T. VCF-style: chr10-43100578-A-T. GRCh37 (hg19) VCF-style: chr10-43596026-A-T.
Other names: c.193A>T, p.Ser65Cys (NM_000323.2, NM_001406743.1, NM_001406744.1 and 34 more transcripts); short protein forms S65C.
Identifiers: ClinVar variation 1783026 (VCV001783026.2), dbSNP rs1162598981, ClinGen allele CA376770283.